The following is an entry in ClinVar:

NM_201548.5(CERKL):c.1579_1596dup (p.Lys532_Ter533insGluGluMetIleProLys)

Genes: CERKL (CERK like autophagy regulator; minus strand), ITGA4 (integrin subunit alpha 4; plus strand). Cytogenetic location: 2q31.3.
Variant type: Duplication.
Coding change: c.1579_1596dup on transcript NM_201548.5 (MANE Select); coding-DNA positions 1579 to 1596, 18 bases duplicated (GAAGAAATGATTCCAAAG).
Protein change: p.Lys532_Ter533insGluGluMetIleProLys.
Molecular consequence: inframe insertion. On other transcripts: 3 prime UTR variant (1), non-coding transcript variant (2).
Genome position (GRCh38, 1-based): chr2:181,538,187-181,538,204, CTTTGGAATCATTTCTTC duplicated on the plus strand (GAAGAAATGATTCCAAAG on the coding strand, the reverse complement: CERKL is on the minus strand); duplicating any 18 consecutive bases within chr2:181,538,187-181,538,205 gives the same sequence; the c. name uses the placement nearest the transcript's 3' end. VCF-style (leftmost placement, unchanged base first): chr2-181538186-A-ACTTTGGAATCATTTCTTC. GRCh37 (hg19) VCF-style: chr2-182402913-A-ACTTTGGAATCATTTCTTC.
Other names: c.1674_1675insGAAGAAATGATTCCAAAG (NM_001030311.3); c.*2661_*2678dup (NM_000885.6); c.1657_1674dup, p.Lys558_Ter559insGluGluMetIleProLys (NM_001030311.3); c.1240_1257dup, p.Lys419_Ter420insGluGluMetIleProLys (NM_001030312.3); c.1372_1389dup, p.Lys463_Ter464insGluGluMetIleProLys (NM_001030313.3); c.1525_1542dup, p.Lys514_Ter515insGluGluMetIleProLys (NM_001160277.2).
Identifiers: ClinVar variation 3028887 (VCV003028887.2), dbSNP rs771621589, ClinGen allele CA2010366.
Genomic context (GRCh38, chr2:181,538,186, plus strand): 5'-CCACATTTCTTTATATTAAAATTCTAGTTTGTACATTTCTTTTAGAAACAATTACATGTT[A>ACTTTGGAATCATTTCTTC]CTTTGGAATCATTTCTTCCATGCTTCCTCCATAAAGACTGATAAGTCTTGGATGCAATCT-3'

ClinVar aggregate classification (germline): Uncertain significance. Review status: criteria provided, multiple submitters, no conflicts (2 of 4 stars). 2 submissions from 2 submitters: Uncertain significance (2). Last evaluated 2025-11-05.

Conditions:
Retinal dystrophy. Also called: Inherited retinal dystrophy. Identifiers: Orphanet 71862, MedGen C0854723, MeSH D058499, MONDO:0019118, HP:0000556.
Retinitis pigmentosa 26 (RP26). Identifiers: Orphanet 791, MedGen C1842127, MONDO:0012024, OMIM 608380.

Submissions (2):

Myriad Genetics, Inc.
Classification: Uncertain significance for Retinitis pigmentosa 26. Last evaluated: 2025-11-05. Review status: criteria provided, single submitter. Criteria: Myriad Autosomal Dominant, Autosomal Recessive and X-Linked Classification Criteria (2023). Collection method: clinical testing. Allele origin: unknown.
Comment: NM_001030311.2(CERKL):c.1657_1674dup18(*559Eext*6) is an in-frame variant that results in protein elongation classified as a variant of uncertain significance in the context of retinitis pigmentosa, CERKL-related. *559Eext*6 has been observed in a case with relevant disease (PMID: 31213501). Relevant functional assessments of this variant are not available in the literature. *559Eext*6 has been observed in referenced population frequency databases. In summary, there is insufficient evidence to classify NM_001030311.2(CERKL):c.1657_1674dup18(*559Eext*6) as pathogenic or benign. Please note: this variant was assessed in the context of healthy population screening.

Dept Of Ophthalmology, Nagoya University
Classification: Uncertain significance for Retinal dystrophy. Last evaluated: 2023-10-01. Review status: criteria provided, single submitter. Criteria: Submitter's publication. Collection method: research. Allele origin: germline. Affected: yes.

Literature cited by the submitters: PubMed 31213501 (cited by Myriad Genetics, Inc.).